The following is an entry in ClinVar:

NM_005477.3(HCN4):c.604C>A (p.Pro202Thr)

Gene: HCN4 (hyperpolarization activated cyclic nucleotide gated potassium channel 4; minus strand). Cytogenetic location: 15q24.1.
Variant type: single nucleotide variant.
Coding change: c.604C>A on transcript NM_005477.3 (MANE Select); coding-DNA position 604, C replaced by A.
Protein change: p.Pro202Thr; replaces proline 202 with threonine.
Molecular consequence: missense variant.
Genome position (GRCh38, 1-based): chr15:73,367,667, G>T on the plus strand (C>A on the coding strand, the complement: HCN4 is on the minus strand). VCF-style: chr15-73367667-G-T. GRCh37 (hg19) VCF-style: chr15-73660008-G-T.
Other names: short protein forms P202T.
Identifiers: ClinVar variation 2098283 (VCV002098283.5), dbSNP rs2549080195, ClinGen allele CA393097499.
Genomic context (GRCh38, chr15:73,367,667, plus strand): 5'-GCATGGCCCCGAACTGGCGCTGCATGAAGCCGGCCTGGCCCAGGCGCACCTCGGCCTCCG[G>T]GAGGATCTGGTCGCCGGCAGCCGCGCCTCCCTCCACTTTGATAGCGGTGTCCACCGAGGG-3'
Protein context (NP_005468.1, residues 192-212): GGAAAGDQIL[Pro202Thr]EAEVRLGQAG

ClinVar aggregate classification (germline): Uncertain significance. Review status: criteria provided, multiple submitters, no conflicts (2 of 4 stars). 2 submissions from 2 submitters: Uncertain significance (2). Last evaluated 2023-05-20.

Conditions:
Brugada syndrome 8 (BRGDA8). Identifiers: Orphanet 130, MedGen C2751083, MONDO:0013148, OMIM 613123.

gnomAD v4.1: 1 of 1,606,930 alleles (0.000062%); highest among the groups gnomAD compares: South Asian, 0.0011%; no homozygotes.

Submissions (2):

Neuberg Centre For Genomic Medicine, NCGM
Classification: Uncertain significance for Brugada syndrome 8. Last evaluated: 2023-05-20. Review status: criteria provided, single submitter. Criteria: ACMG Guidelines, 2015. Collection method: clinical testing. Allele origin: germline. Inheritance: Autosomal dominant inheritance. Affected: yes.
Comment: The observed missense variant c.604C>A (p.Pro202Thr) in HCN4 gene has not been reported previously as a pathogenic variant nor as a benign variant, to our knowledge. The p.Pro202Thr variant is absent in gnomAD Exomes database. This variant has been submitted to the ClinVar database as Uncertain Significance. Multiple lines of computational evidence (SIFT - damaging; Polyphen - possibly damaging; MutationTaster - disease causing) predict a damaging effect on protein structure and function for this variant. The amino acid change p.Pro202Thr in HCN4 is predicted as conserved by GERP++ and PhyloP across 100 vertebrates. The amino acid Pro at position 202 is changed to a Thr changing protein sequence and it might alter its composition and physico-chemical properties. For these reasons, this variant has been classified as a Variant of Uncertain Significance (VUS).

Labcorp Genetics (formerly Invitae), Labcorp
Classification: Uncertain significance for Brugada syndrome 8. Last evaluated: 2022-02-18. Review status: criteria provided, single submitter. Criteria: Invitae Variant Classification Sherloc (09022015). Collection method: clinical testing. Allele origin: germline.
Comment: In summary, the available evidence is currently insufficient to determine the role of this variant in disease. Therefore, it has been classified as a Variant of Uncertain Significance. Advanced modeling of protein sequence and biophysical properties (such as structural, functional, and spatial information, amino acid conservation, physicochemical variation, residue mobility, and thermodynamic stability) performed at Invitae indicates that this missense variant is not expected to disrupt HCN4 protein function. This variant has not been reported in the literature in individuals affected with HCN4-related conditions. This variant is not present in population databases (gnomAD no frequency). This sequence change replaces proline, which is neutral and non-polar, with threonine, which is neutral and polar, at codon 202 of the HCN4 protein (p.Pro202Thr).